The following is an entry in ClinVar:

NM_007294.4(BRCA1):c.3547A>T (p.Lys1183Ter)

Genes: BRCA1 (BRCA1 DNA repair associated; minus strand), LOC126862571 (BRD4-independent group 4 enhancer GRCh37_chr17:41243136-41244335; plus strand). Cytogenetic location: 17q21.31.
Variant type: single nucleotide variant.
Coding change: c.3547A>T on transcript NM_007294.4 (MANE Select); coding-DNA position 3547, A replaced by T.
Protein change: p.Lys1183Ter; replaces lysine 1183 with a stop codon.
Molecular consequence: nonsense. On other transcripts: intron variant (135).
Genome position (GRCh38, 1-based): chr17:43,091,984, T>A on the plus strand (A>T on the coding strand, the complement: BRCA1 is on the minus strand). VCF-style: chr17-43091984-T-A. GRCh37 (hg19) VCF-style: chr17-41244001-T-A.
Other names: c.785-952A>T (NM_001408400.1, NM_001408392.1, NM_001407986.1 and 13 more transcripts); c.665-952A>T (NM_001408441.1, NM_001408437.1, NM_001408429.1 and 12 more transcripts); c.788-952A>T (NM_001407979.1, NM_001407977.1, NM_001407982.1 and 17 more transcripts); c.647-952A>T (NM_001408410.1, NM_001408458.1, NM_001408469.1 and 11 more transcripts); c.710-952A>T (NM_001408415.1, NM_001408412.1, NM_001408409.1 and 2 more transcripts); c.578-952A>T (NM_001408483.1, NM_001408481.1, NM_001408480.1 and 9 more transcripts); c.3334A>T, p.Lys1112Ter (NM_001407571.1, NM_001407915.1, NM_001407916.1 and 9 more transcripts); c.3547A>T, p.Lys1183Ter (NM_001407581.1, NM_001407582.1, NM_001407583.1 and 30 more transcripts); and 41 more; short protein forms K1015*, K1055*, K1056*, K1071*, K1072*, K1094*, K1095*, K1112*.
Identifiers: ClinVar variation 4851990 (VCV004851990.1).

ClinVar aggregate classification (germline): Pathogenic (1 of 4 stars; one submission).

Conditions:
Breast-ovarian cancer, familial, susceptibility to, 1 (BROVCA1). Also called: OVARIAN CANCER, SUSCEPTIBILITY TO; BRCA1 Hereditary Breast and Ovarian Cancer. Identifiers: Orphanet 145, MedGen C2676676, MONDO:0011450, OMIM 604370. Disease mechanism: loss of function.

Submission:

Dasa
Classification: Pathogenic for Breast-ovarian cancer, familial, susceptibility to, 1. Last evaluated: 2026-04-06. Review status: criteria provided, single submitter. Criteria: DASA Assertion Criteria. Collection method: clinical testing. Allele origin: germline.
Comment: NM_007294.4(BRCA1):c.3547A>T (p.Lys1183*) introduces a premature termination codon predicted to result in loss of normal protein function. Loss-of-function is an established mechanism of disease for this gene. The variant is present at low frequency in population datasets. Based on the available data, this variant is classified as pathogenic.